The following is an entry in ClinVar:

NM_006514.4(SCN10A):c.299C>A (p.Thr100Asn)

Gene: SCN10A (sodium voltage-gated channel alpha subunit 10; minus strand). Cytogenetic location: 3p22.2.
Variant type: single nucleotide variant.
Coding change: c.299C>A on transcript NM_006514.4 (MANE Select); coding-DNA position 299, C replaced by A.
Protein change: p.Thr100Asn; replaces threonine 100 with asparagine.
Molecular consequence: missense variant.
Genome position (GRCh38, 1-based): chr3:38,792,140, G>T on the plus strand (C>A on the coding strand, the complement: SCN10A is on the minus strand). VCF-style: chr3-38792140-G-T. GRCh37 (hg19) VCF-style: chr3-38833631-G-T.
Other names: c.299C>A, p.Thr100Asn (NM_001293306.2, NM_001293307.2); c.299C>A (NM_006514.2); short protein forms T100N.
Identifiers: ClinVar variation 937648 (VCV000937648.10), dbSNP rs758035498, ClinGen allele CA72962609.

ClinVar aggregate classification (germline): Uncertain significance. Review status: criteria provided, multiple submitters, no conflicts (2 of 4 stars). 4 submissions from 4 submitters: Uncertain significance (4). Last evaluated 2026-01-29.

Conditions:
Cardiovascular phenotype. Identifiers: MedGen CN230736.
Episodic pain syndrome, familial, 2 (FEPS2). Identifiers: Orphanet 306577, MedGen C3809893, MONDO:0014246, OMIM 615551.
Brugada syndrome. Also called: Sudden Unexplained Death Syndrome; Sudden Unexplained Nocturnal Death Syndrome (SUNDS); Sudden unexpected nocturnal death syndrome; Sudden unexplained nocturnal death syndrome. Identifiers: Orphanet 130, MedGen C1142166, MONDO:0015263.

Allele frequency attached by ClinVar (database versions not stated): TOPMed 0.00001; gnomAD 0.00003 and 0.00004.
gnomAD v4.1: 5 of 1,613,676 alleles (0.00031%); highest among the groups gnomAD compares: African/African-American, 0.0067%; no homozygotes.

Submissions (4):

GeneDx
Classification: Uncertain significance. Last evaluated: 2026-01-29. Review status: criteria provided, single submitter. Criteria: GeneDx Variant Classification Process June 2021. Collection method: clinical testing. Allele origin: germline.
Comment: Has not been previously published as pathogenic or benign to our knowledge; Not observed at significant frequency in large population cohorts (gnomAD); In silico analysis supports that this missense variant has a deleterious effect on protein structure/function

Labcorp Genetics (formerly Invitae), Labcorp
Classification: Uncertain significance for Brugada syndrome. Last evaluated: 2024-09-30. Review status: criteria provided, single submitter. Criteria: Invitae Variant Classification Sherloc (09022015). Collection method: clinical testing. Allele origin: germline.
Comment: This sequence change replaces threonine, which is neutral and polar, with asparagine, which is neutral and polar, at codon 100 of the SCN10A protein (p.Thr100Asn). This variant is not present in population databases (gnomAD no frequency). This variant has not been reported in the literature in individuals affected with SCN10A-related conditions. ClinVar contains an entry for this variant (Variation ID: 937648). Invitae Evidence Modeling of protein sequence and biophysical properties (such as structural, functional, and spatial information, amino acid conservation, physicochemical variation, residue mobility, and thermodynamic stability) has been performed for this missense variant. However, the output from this modeling did not meet the statistical confidence thresholds required to predict the impact of this variant on SCN10A protein function. In summary, the available evidence is currently insufficient to determine the role of this variant in disease. Therefore, it has been classified as a Variant of Uncertain Significance.

Ambry Genetics
Classification: Uncertain significance for Cardiovascular phenotype. Last evaluated: 2023-10-26. Review status: criteria provided, single submitter. Criteria: Ambry Variant Classification Scheme 2023. Collection method: clinical testing. Allele origin: germline.
Comment: The p.T100N variant (also known as c.299C>A), located in coding exon 2 of the SCN10A gene, results from a C to A substitution at nucleotide position 299. The threonine at codon 100 is replaced by asparagine, an amino acid with similar properties. This amino acid position is conserved. In addition, the in silico prediction for this alteration is inconclusive. Since supporting evidence is limited at this time, the clinical significance of this alteration remains unclear.

Fulgent Genetics
Classification: Uncertain significance for Episodic pain syndrome, familial, 2. Last evaluated: 2021-07-12. Review status: criteria provided, single submitter. Criteria: ACMG Guidelines, 2015. Collection method: clinical testing. Allele origin: unknown.